The following is an entry in ClinVar:

ClinVar aggregate classification (germline): Uncertain significance (1 of 4 stars; one submission).

Allele frequency attached by ClinVar (database versions not stated): gnomAD exomes below 0.00001; TOPMed 0.00002; ExAC 0.00003; gnomAD 0.00003; 1000 Genomes Project 30x 0.00031; 1000 Genomes Project 0.00040.
gnomAD v4.1: 11 of 1,614,200 alleles (0.00068%); highest among the groups gnomAD compares: East Asian, 0.025%; no homozygotes.

Submission:

Women's Health and Genetics/Laboratory Corporation of America, LabCorp
Classification: Uncertain significance. Last evaluated: 2024-04-09. Review status: criteria provided, single submitter. Criteria: LabCorp Variant Classification Summary - May 2015. Collection method: clinical testing. Allele origin: germline.
Comment: Variant summary: ABCA4 c.3274G>T (p.Val1092Leu) results in a conservative amino acid change located in the ABC transporter-like, ATP-binding domain (IPR003439) of the encoded protein sequence. Three of five in-silico tools predict a damaging effect of the variant on protein function. The variant allele was found at a frequency of 2.8e-05 in 251464 control chromosomes (gnomAD). The available data on variant occurrences in the general population are insufficient to allow any conclusion about variant significance. c.3274G>T has been reported in the literature in an individual affected with cone-rod dystrophy without strong evidence of causality (Chen_2021). This report does not provide unequivocal conclusions about association of the variant with Retinitis Pigmentosa. To our knowledge, no experimental evidence demonstrating an impact on protein function has been reported. The following publication has been ascertained in the context of this evaluation (PMID: 33608557). No submitters have cited clinical-significance assessments for this variant to ClinVar. Based on the evidence outlined above, the variant was classified as uncertain significance.

Literature cited by the submitters: PubMed 33608557.

NM_000350.3(ABCA4):c.3274G>T (p.Val1092Leu)

Gene: ABCA4 (ATP binding cassette subfamily A member 4; minus strand). Cytogenetic location: 1p22.1.
Variant type: single nucleotide variant.
Coding change: c.3274G>T on transcript NM_000350.3 (MANE Select); coding-DNA position 3274, G replaced by T.
Protein change: p.Val1092Leu; replaces valine 1092 with leucine.
Molecular consequence: missense variant.
Genome position (GRCh38, 1-based): chr1:94,042,815, C>A on the plus strand (G>T on the coding strand, the complement: ABCA4 is on the minus strand). VCF-style: chr1-94042815-C-A. GRCh37 (hg19) VCF-style: chr1-94508371-C-A.
Other names: short protein forms V1092L.
Identifiers: ClinVar variation 3251392 (VCV003251392.1), dbSNP rs555116112.